The following is an entry in ClinVar:

ClinVar aggregate classification (germline): Pathogenic (1 of 4 stars; one submission).

Submission:

Labcorp Genetics (formerly Invitae), Labcorp
Classification: Pathogenic. Last evaluated: 2022-05-12. Review status: criteria provided, single submitter. Criteria: Invitae Variant Classification Sherloc (09022015). Collection method: clinical testing. Allele origin: germline.
Comment: For these reasons, this variant has been classified as Pathogenic. ClinVar contains an entry for this variant (Variation ID: 1058407). This variant has not been reported in the literature in individuals affected with POLE-related conditions. This variant is not present in population databases (gnomAD no frequency). This sequence change creates a premature translational stop signal (p.Phe596*) in the POLE gene. It is expected to result in an absent or disrupted protein product. Loss-of-function variants in POLE are known to be pathogenic (PMID: 23230001, 25948378, 30503519).

Literature cited by the submitters: PubMed 23230001; PubMed 25948378; PubMed 30503519.

NM_006231.4(POLE):c.1787_1788del (p.Asn595_Phe596insTer)

Gene: POLE (DNA polymerase epsilon, catalytic subunit; minus strand). Cytogenetic location: 12q24.33.
Variant type: Deletion.
Coding change: c.1787_1788del on transcript NM_006231.4 (MANE Select); coding-DNA positions 1787 to 1788, 2 bases deleted (TT; older notation c.1787_1788delTT).
Protein change: p.Asn595_Phe596insTer.
Molecular consequence: nonsense.
Genome position (GRCh38, 1-based): chr12:132,672,221-132,672,222, AA deleted on the plus strand (TT on the coding strand, the reverse complement: POLE is on the minus strand); deleting any 2 consecutive bases within chr12:132,672,221-132,672,223 gives the same sequence; the c. name uses the placement nearest the transcript's 3' end. VCF-style (leftmost placement, unchanged base first): chr12-132672220-CAA-C. GRCh37 (hg19) VCF-style: chr12-133248806-CAA-C.
Identifiers: ClinVar variation 1058407 (VCV001058407.9), dbSNP rs2135990149, ClinGen allele CA2499221543.